The following is an entry in ClinVar:

NM_000316.3(PTH1R):c.1644C>T (p.Leu548=)

Gene: PTH1R (parathyroid hormone 1 receptor; plus strand). Cytogenetic location: 3p21.31.
Variant type: single nucleotide variant.
Coding change: c.1644C>T on transcript NM_000316.3 (MANE Select); coding-DNA position 1644, C replaced by T.
Protein change: p.Leu548=; no amino-acid change (leucine 548 retained).
Molecular consequence: synonymous variant.
Genome position (GRCh38, 1-based): chr3:46,903,518, C>T. VCF-style: chr3-46903518-C-T. GRCh37 (hg19) VCF-style: chr3-46945008-C-T.
Other names: c.1644C>T, p.Leu548= (NM_001184744.1).
Identifiers: ClinVar variation 345601 (VCV000345601.36), dbSNP rs138646765, ClinGen allele CA2359595.

ClinVar aggregate classification (germline): Conflicting classifications of pathogenicity. Review status: criteria provided, conflicting classifications (1 of 4 stars). 6 submissions from 5 submitters: Uncertain significance (1); Benign (1); Likely benign (4). Last evaluated 2025-07-13.

Conditions:
Chondrodysplasia Blomstrand type (BOCD). Identifiers: Orphanet 50945, MedGen C1859148, MONDO:0008970, OMIM 215045.
Metaphyseal chondrodysplasia, Jansen type. Also called: PTH1R-Related Jansen Metaphyseal Chondrodysplasia; Metaphyseal chondrodysplasia Murk Jansen type. Identifiers: Orphanet 33067, MedGen C0265295, MONDO:0007982, OMIM 156400.

Allele frequency attached by ClinVar (database versions not stated): ExAC 0.00015; gnomAD exomes 0.00016; 1000 Genomes Project 0.00020; TOPMed 0.00022; gnomAD 0.00024 and 0.00026; ESP Exome Variant Server 0.00031; 1000 Genomes Project 30x 0.00047.
gnomAD v4.1: 166 of 1,613,942 alleles (0.01%); highest among the groups gnomAD compares: Middle Eastern, 0.066%; 3 homozygotes.

Submissions (6):

Labcorp Genetics (formerly Invitae), Labcorp
Classification: Likely benign. Last evaluated: 2025-07-13. Review status: criteria provided, single submitter. Criteria: Invitae Variant Classification Sherloc (09022015). Collection method: clinical testing. Allele origin: germline.

ARUP Laboratories, Molecular Genetics and Genomics, ARUP Laboratories
Classification: Likely benign. Last evaluated: 2025-06-11. Review status: criteria provided, single submitter. Criteria: ARUP Molecular Germline Variant Investigation Process 2024. Collection method: clinical testing. Allele origin: germline.

Blueprint Genetics
Classification: Likely benign. Last evaluated: 2024-09-23. Review status: criteria provided, single submitter. Criteria: ACMG Guidelines, 2015. Collection method: clinical testing. Allele origin: germline.

CeGaT Center for Human Genetics Tuebingen
Classification: Likely benign. Last evaluated: 2024-04-01. Review status: criteria provided, single submitter. Criteria: CeGaT Center For Human Genetics Tuebingen Variant Classification Criteria Version 2. Collection method: clinical testing. Allele origin: germline. Affected: yes. Observed: 2 variant alleles.
Comment: PTH1R: BP4, BP7

Illumina Laboratory Services, Illumina
Classification: Benign for Metaphyseal chondrodysplasia, Jansen type. Last evaluated: 2018-01-13. Review status: criteria provided, single submitter. Criteria: ICSL Variant Classification Criteria 13 December 2019. Collection method: clinical testing. Allele origin: germline.
Comment: This variant was observed in the ICSL laboratory as part of a predisposition screen in an ostensibly healthy population. It had not been previously curated by ICSL or reported in the Human Gene Mutation Database (HGMD: prior to June 1st, 2018), and was therefore a candidate for classification through an automated scoring system. Utilizing variant allele frequency, disease prevalence and penetrance estimates, and inheritance mode, an automated score was calculated to assess if this variant is too frequent to cause the disease. Based on the score and internal cut-off values, a variant classified as benign is not then subjected to further curation. The score for this variant resulted in a classification of benign for this disease.

Illumina Laboratory Services, Illumina
Classification: Uncertain significance for Chondrodysplasia Blomstrand type. Last evaluated: 2018-01-13. Review status: criteria provided, single submitter. Criteria: ICSL Variant Classification Criteria 13 December 2019. Collection method: clinical testing. Allele origin: germline.